The following is an entry in ClinVar:

NM_005120.3(MED12):c.2982-20C>T

Gene: MED12 (mediator complex subunit 12; plus strand). Cytogenetic location: Xq13.1.
Variant type: single nucleotide variant.
Coding change: c.2982-20C>T on transcript NM_005120.3 (MANE Select); 20 bases into the intron before coding-DNA position 2982, C replaced by T.
Molecular consequence: intron variant.
Genome position (GRCh38, 1-based): chrX:71,127,873, C>T. VCF-style: chrX-71127873-C-T. GRCh37 (hg19) VCF-style: chrX-70347723-C-T.
Identifiers: ClinVar variation 931359 (VCV000931359.11), dbSNP rs773211847, ClinGen allele CA10444436.

ClinVar aggregate classification (germline): Likely benign. Review status: criteria provided, multiple submitters, no conflicts (2 of 4 stars). 2 submissions from 2 submitters: Likely benign (2). Last evaluated 2024-06-25.

Conditions:
X-linked intellectual disability with marfanoid habitus. Also called: X-linked mental retardation with marfanoid habitus syndrome; INTELLECTUAL DEVELOPMENTAL DISORDER, X-LINKED, SYNDROMIC, LUJAN-FRYNS TYPE; Lujan Syndrome (LS); Lujan Syndrome. Identifiers: Orphanet 776, MedGen C0796022, MONDO:0010655, OMIM 309520.
FG syndrome (FGS). Identifiers: MedGen C0220769, MONDO:0002010.

Allele frequency attached by ClinVar (database versions not stated): ExAC 0.00002; gnomAD exomes 0.00001.
gnomAD v4.1: 6 of 1,168,406 alleles (0.00051%); highest among the groups gnomAD compares: Non-Finnish European, 0.00058%; no homozygotes.

Submissions (2):

Labcorp Genetics (formerly Invitae), Labcorp
Classification: Likely benign for FG syndrome. Last evaluated: 2024-06-25. Review status: criteria provided, single submitter. Criteria: Invitae Variant Classification Sherloc (09022015). Collection method: clinical testing. Allele origin: germline.

Centre for Mendelian Genomics, University Medical Centre Ljubljana
Classification: Likely benign for X-linked intellectual disability with marfanoid habitus. Last evaluated: 2018-12-13. Review status: criteria provided, single submitter. Criteria: ACMG Guidelines, 2015. Collection method: clinical testing. Allele origin: unknown. Affected: yes.
Comment: This variant was classified as: Likely benign. The following ACMG criteria were applied in classifying this variant: BS1,BP4. This variant was detected in hemizygous state.